The following is an entry in ClinVar:

ClinVar aggregate classification (germline): Uncertain significance (1 of 4 stars; one submission).

Submission:

Labcorp Genetics (formerly Invitae), Labcorp
Classification: Uncertain significance. Last evaluated: 2024-04-10. Review status: criteria provided, single submitter. Criteria: Invitae Variant Classification Sherloc (09022015). Collection method: clinical testing. Allele origin: germline.
Comment: This sequence change replaces arginine, which is basic and polar, with histidine, which is basic and polar, at codon 807 of the STAG2 protein (p.Arg807His). This variant is not present in population databases (gnomAD no frequency). This variant has not been reported in the literature in individuals affected with STAG2-related conditions. Advanced modeling of protein sequence and biophysical properties (such as structural, functional, and spatial information, amino acid conservation, physicochemical variation, residue mobility, and thermodynamic stability) performed at Invitae indicates that this missense variant is not expected to disrupt STAG2 protein function with a negative predictive value of 80%. In summary, the available evidence is currently insufficient to determine the role of this variant in disease. Therefore, it has been classified as a Variant of Uncertain Significance.

NM_001042750.2(STAG2):c.2420G>A (p.Arg807His)

Gene: STAG2 (STAG2 cohesin complex component; plus strand). Cytogenetic location: Xq25.
Variant type: single nucleotide variant.
Coding change: c.2420G>A on transcript NM_001042750.2 (MANE Select); coding-DNA position 2420, G replaced by A.
Protein change: p.Arg807His; replaces arginine 807 with histidine.
Molecular consequence: missense variant.
Genome position (GRCh38, 1-based): chrX:124,071,210, G>A. VCF-style: chrX-124071210-G-A. GRCh37 (hg19) VCF-style: chrX-123205060-G-A.
Other names: c.2420G>A, p.Arg807His (NM_001042749.2, NM_001042751.2, NM_001282418.2 and 13 more transcripts); short protein forms R807H.
Identifiers: ClinVar variation 3672720 (VCV003672720.2).
Genomic context (GRCh38, chrX:124,071,210, plus strand): 5'-CCTTCACTATTCTGTGTGATATTTTGATGATCTTCAGCCATCAGATTATGTCAGGAGGGC[G>A]TGACATGTTAGAGCCATTAGTGTATACCCCTGATTCTTCATTGCAGTCTGAGTTGCTCAG-3'
Protein context (NP_001036215.1, residues 797-817): IFSHQIMSGG[Arg807His]DMLEPLVYTP